The following is an entry in ClinVar:

ClinVar aggregate classification (germline): Uncertain significance (1 of 4 stars; one submission).

Submission:

Labcorp Genetics (formerly Invitae), Labcorp
Classification: Uncertain significance. Last evaluated: 2022-01-05. Review status: criteria provided, single submitter. Criteria: Invitae Variant Classification Sherloc (09022015). Collection method: clinical testing. Allele origin: germline.
Comment: In summary, the available evidence is currently insufficient to determine the role of this variant in disease. Therefore, it has been classified as a Variant of Uncertain Significance. Algorithms developed to predict the effect of missense changes on protein structure and function are either unavailable or do not agree on the potential impact of this missense change (SIFT: "Not Available"; PolyPhen-2: "Probably Damaging"; Align-GVGD: "Not Available"). This variant has not been reported in the literature in individuals affected with UNC80-related conditions. This variant is not present in population databases (gnomAD no frequency). This sequence change replaces glutamic acid, which is acidic and polar, with aspartic acid, which is acidic and polar, at codon 2907 of the UNC80 protein (p.Glu2907Asp).

NM_001371986.1(UNC80):c.8919G>C (p.Glu2973Asp)

Gene: UNC80 (unc-80 subunit of NALCN channel complex; plus strand). Cytogenetic location: 2q34.
Variant type: single nucleotide variant.
Coding change: c.8919G>C on transcript NM_001371986.1 (MANE Select); coding-DNA position 8919, G replaced by C.
Protein change: p.Glu2973Asp; replaces glutamic acid 2973 with aspartic acid.
Molecular consequence: missense variant.
Genome position (GRCh38, 1-based): chr2:209,977,059, G>C. VCF-style: chr2-209977059-G-C. GRCh37 (hg19) VCF-style: chr2-210841783-G-C.
Other names: c.8721G>C, p.Glu2907Asp (NM_032504.2); c.8706G>C, p.Glu2902Asp (NM_182587.4); short protein forms E2973D, E2902D, E2907D.
Identifiers: ClinVar variation 2075573 (VCV002075573.4), dbSNP rs903334602, ClinGen allele CA350414319.
Genomic context (GRCh38, chr2:209,977,059, plus strand): 5'-CCCTTTGTGTAAGAGCTCGCTCATTGCTGAGTTCAACAGTGAACTAAAAATTCTAAAAGA[G>C]GCAGTTCATAGTGGATCAGGTGAGTGTGCATGAGAGTGTTGTGAATTTGTTTGACTAATG-3'
Protein context (NP_001358915.1, residues 2963-2983): EFNSELKILK[Glu2973Asp]AVHSGSAYQG